The following is an entry in ClinVar:

ClinVar aggregate classification (germline): Pathogenic (1 of 4 stars; one submission).

Conditions:
Autosomal recessive nonsyndromic hearing loss 4 (DFNB4). Also called: Deafness, autosomal recessive 4; FOXI1-Related Pendred Syndrome; KCNJ10-Related Pendred Syndrome; DEAFNESS, AUTOSOMAL RECESSIVE 4, WITH ENLARGED VESTIBULAR AQUEDUCT, DIGENIC; NEUROSENSORY NONSYNDROMIC RECESSIVE DEAFNESS 4; Nonsyndromic enlarged vestibular aqueduct (NSEVA). Identifiers: Orphanet 90636, MedGen C3538946, MONDO:0010933, OMIM 600791.

Submission:

Institute of Rare Diseases, West China Hospital, Sichuan University
Classification: Pathogenic for Autosomal recessive nonsyndromic hearing loss 4. Last evaluated: 2025-01-09. Review status: criteria provided, single submitter. Criteria: ClinGen HL ACMG Specifications v1. Collection method: research. Allele origin: germline. Affected: yes.
Comment: PVS1;PM3;PM2_Supporting

NM_000441.2(SLC26A4):c.1231del (p.Ala411fs)

Gene: SLC26A4 (solute carrier family 26 member 4; plus strand). Cytogenetic location: 7q22.3.
Variant type: Deletion.
Coding change: c.1231del on transcript NM_000441.2 (MANE Select); coding-DNA position 1231, one base deleted (G; older notation c.1231delG).
Protein change: p.Ala411fs; shifts the reading frame from alanine 411.
Molecular consequence: frameshift variant.
Genome position (GRCh38, 1-based): chr7:107,690,205, G deleted; the last of 2 consecutive G bases (chr7:107,690,204-107,690,205); deleting either gives the same sequence. VCF-style (leftmost placement, unchanged base first): chr7-107690203-CG-C. GRCh37 (hg19) VCF-style: chr7-107330648-CG-C.
Other names: short protein forms A411fs.
Identifiers: ClinVar variation 3601733 (VCV003601733.1).
Genomic context (GRCh38, chr7:107,690,203, plus strand): 5'-TCAGCAACATCTTCTCAGGATTCTTCTCTTGTTTTGTGGCCACCACTGCTCTTTCCCGCA[CG>C]GCCGTCCAGGAGAGCACTGGAGGAAAGACACAGGTAGGAACAACAGCCTTATGATATCCA-3'